The following is an entry in ClinVar:

ClinVar aggregate classification (germline): Pathogenic. Review status: criteria provided, multiple submitters, no conflicts (2 of 4 stars). 2 submissions from 2 submitters: Pathogenic (2). Last evaluated 2024-08-06.

Conditions:
Hereditary cancer-predisposing syndrome. Also called: Neoplastic Syndromes, Hereditary; Tumor predisposition; Hereditary Cancer Syndrome; Hereditary neoplastic syndrome. Identifiers: Orphanet 140162, MedGen C0027672, MeSH D009386, MONDO:0015356.
Familial cancer of breast. Also called: BREAST CANCER, FAMILIAL; Hereditary breast cancer; hereditary breast carcinoma. Identifiers: Orphanet 227535, MedGen C0346153, MONDO:0016419, OMIM 114480. Disease mechanism: loss of function.

Submissions (2):

Ambry Genetics
Classification: Pathogenic for Hereditary cancer-predisposing syndrome. Last evaluated: 2024-08-06. Review status: criteria provided, single submitter. Criteria: Ambry Variant Classification Scheme 2023. Collection method: clinical testing. Allele origin: germline.
Comment: The c.1683delA pathogenic mutation, located in coding exon 4 of the PALB2 gene, results from a deletion of one nucleotide at nucleotide position 1683, causing a translational frameshift with a predicted alternate stop codon (p.K563Rfs*36). This variant is considered to be rare based on population cohorts in the Genome Aggregation Database (gnomAD). This alteration is expected to result in loss of function by premature protein truncation or nonsense-mediated mRNA decay. As such, this alteration is interpreted as a disease-causing mutation.

Molecular Pathology, Peter Maccallum Cancer Centre
Classification: Pathogenic for Familial cancer of breast. Last evaluated: 2024-02-29. Review status: criteria provided, single submitter. Criteria: ACMG Guidelines, 2015. Collection method: clinical testing. Allele origin: germline. Inheritance: Autosomal dominant inheritance.

NM_024675.4(PALB2):c.1683del (p.Lys563fs)

Gene: PALB2 (partner and localizer of BRCA2; minus strand). Cytogenetic location: 16p12.2.
Variant type: Deletion.
Coding change: c.1683del on transcript NM_024675.4 (MANE Select); coding-DNA position 1683, one base deleted (A; older notation c.1683delA).
Protein change: p.Lys563fs; shifts the reading frame from lysine 563.
Molecular consequence: frameshift variant. On other transcripts: intron variant (3).
Genome position (GRCh38, 1-based): chr16:23,634,863, T deleted on the plus strand (A on the coding strand, the reverse complement: PALB2 is on the minus strand); the first of 3 consecutive T bases (chr16:23,634,863-23,634,865); deleting any one gives the same sequence. VCF-style (leftmost placement, unchanged base first): chr16-23634862-CT-C. GRCh37 (hg19) VCF-style: chr16-23646183-CT-C.
Other names: c.1623del, p.Lys543fs (NM_001407296.1); c.1683del, p.Lys563fs (NM_001407297.1, NM_001407298.1, NM_001407299.1 and 3 more transcripts); c.798del, p.Lys268fs (NM_001407304.1, NM_001407305.1, NM_001407306.1 and 5 more transcripts); c.49-5588del (NM_001407314.1); c.-104-4394del (NM_001407313.1, NM_001407312.1); c.1683delA (NM_024675.3); short protein forms K268fs, K543fs, K563fs.
Identifiers: ClinVar variation 3413441 (VCV003413441.2).